The following is an entry in ClinVar:

ClinVar aggregate classification (germline): Uncertain significance. Review status: criteria provided, multiple submitters, no conflicts (2 of 4 stars). 2 submissions from 2 submitters: Uncertain significance (2). Last evaluated 2025-04-12.

Conditions:
Cardiovascular phenotype. Identifiers: MedGen CN230736.
Hereditary cancer-predisposing syndrome. Also called: Neoplastic Syndromes, Hereditary; Tumor predisposition; Hereditary Cancer Syndrome; Hereditary neoplastic syndrome. Identifiers: Orphanet 140162, MedGen C0027672, MeSH D009386, MONDO:0015356.

Submissions (2):

Ambry Genetics
Classification: Uncertain significance for Cardiovascular phenotype; Hereditary cancer-predisposing syndrome. Last evaluated: 2025-04-12. Review status: criteria provided, single submitter. Criteria: Ambry Variant Classification Scheme 2023. Collection method: clinical testing. Allele origin: germline.
Comment: The c.1265_1267delCCT variant (also known as p.S422del) is located in coding exon 12 of the LZTR1 gene. This variant results from an in-frame CCT deletion at nucleotide positions 1265 to 1267. This results in the in-frame deletion of a serine at codon 422. This amino acid position is highly conserved in available vertebrate species. In addition, this alteration is predicted to be deleterious by in silico analysis (Choi Y et al. PLoS ONE. 2012; 7(10):e46688). Based on the available evidence, the clinical significance of this variant remains unclear.

Labcorp Genetics (formerly Invitae), Labcorp
Classification: Uncertain significance. Last evaluated: 2024-09-02. Review status: criteria provided, single submitter. Criteria: Invitae Variant Classification Sherloc (09022015). Collection method: clinical testing. Allele origin: germline.
Comment: This variant, c.1265_1267del, results in the deletion of 1 amino acid(s) of the LZTR1 protein (p.Ser422del), but otherwise preserves the integrity of the reading frame. This variant is not present in population databases (gnomAD no frequency). This variant has not been reported in the literature in individuals affected with LZTR1-related conditions. ClinVar contains an entry for this variant (Variation ID: 1763948). Experimental studies and prediction algorithms are not available or were not evaluated, and the functional significance of this variant is currently unknown. In summary, the available evidence is currently insufficient to determine the role of this variant in disease. Therefore, it has been classified as a Variant of Uncertain Significance.

NM_006767.4(LZTR1):c.1265_1267del (p.Ser422del)

Gene: LZTR1 (leucine zipper like post translational regulator 1; plus strand). Cytogenetic location: 22q11.21.
Variant type: Deletion.
Coding change: c.1265_1267del on transcript NM_006767.4 (MANE Select); coding-DNA positions 1265 to 1267, 3 bases deleted (CCT; older notation c.1265_1267delCCT).
Protein change: p.Ser422del; deletes serine 422.
Molecular consequence: inframe deletion.
Genome position (GRCh38, 1-based): chr22:20,993,666-20,993,668, CCT deleted; deleting any 3 consecutive bases within chr22:20,993,664-20,993,668 gives the same sequence; the c. name uses the placement nearest the transcript's 3' end. VCF-style (leftmost placement, unchanged base first): chr22-20993663-TCTC-T. GRCh37 (hg19) VCF-style: chr22-21347952-TCTC-T.
Other names: short protein forms S422del.
Identifiers: ClinVar variation 1763948 (VCV001763948.5), dbSNP rs2518619860, ClinGen allele CA2580099147.